The following is an entry in ClinVar:

ClinVar aggregate classification (germline): Uncertain significance (0 of 4 stars; one submission).

Submission:

Greenwood Genetic Center Diagnostic Laboratories, Greenwood Genetic Center
Classification: Uncertain significance. Last evaluated: 2021-12-21. Review status: no assertion criteria provided. Collection method: clinical testing. Allele origin: germline. Affected: yes.
Comment: Gene of uncertain significance

NM_001031684.3(SRSF7):c.289C>G (p.Arg97Gly)

Gene: SRSF7 (serine and arginine rich splicing factor 7; minus strand). Cytogenetic location: 2p22.1.
Variant type: single nucleotide variant.
Coding change: c.289C>G on transcript NM_001031684.3 (MANE Select); coding-DNA position 289, C replaced by G.
Protein change: p.Arg97Gly; replaces arginine 97 with glycine.
Molecular consequence: missense variant.
Genome position (GRCh38, 1-based): chr2:38,749,626, G>C on the plus strand (C>G on the coding strand, the complement: SRSF7 is on the minus strand). VCF-style: chr2-38749626-G-C. GRCh37 (hg19) VCF-style: chr2-38976768-G-C.
Other names: c.289C>G, p.Arg97Gly (NM_001195446.2, NM_001363802.1); short protein forms R97G.
Identifiers: ClinVar variation 1334705 (VCV001334705.4), ClinGen allele CA346349069.